The following is an entry in ClinVar:

NM_001735.3(C5):c.754G>A (p.Ala252Thr)

Gene: C5 (complement C5; minus strand). Cytogenetic location: 9q33.2.
Variant type: single nucleotide variant.
Coding change: c.754G>A on transcript NM_001735.3 (MANE Select); coding-DNA position 754, G replaced by A.
Protein change: p.Ala252Thr; replaces alanine 252 with threonine.
Molecular consequence: missense variant.
Genome position (GRCh38, 1-based): chr9:121,030,401, C>T on the plus strand (G>A on the coding strand, the complement: C5 is on the minus strand). VCF-style: chr9-121030401-C-T. GRCh37 (hg19) VCF-style: chr9-123792679-C-T.
Other names: c.772G>A, p.Ala258Thr (NM_001317163.2); c.754G>A, p.Ala252Thr (NM_001317164.2); short protein forms A252T, A258T.
Identifiers: ClinVar variation 1009377 (VCV001009377.10), dbSNP rs112959008, ClinGen allele CA5218295.

ClinVar aggregate classification (germline): Conflicting classifications of pathogenicity. Review status: criteria provided, conflicting classifications (1 of 4 stars). 5 submissions from 5 submitters: Pathogenic (1); Uncertain significance (3). 1 of the submissions does not count toward it. Last evaluated 2024-12-09.

Conditions:
Complement component 5 deficiency. Also called: C5 DEFICIENCY. Identifiers: MedGen C0343047, MONDO:0012295, OMIM 609536.
C5-related disorders.
C5-related disorder. Also called: C5-related condition.

Allele frequency attached by ClinVar (database versions not stated): gnomAD exomes 0.00013 and 0.00032; ExAC 0.00079; 1000 Genomes Project 0.00120; ESP Exome Variant Server 0.00122; 1000 Genomes Project 30x 0.00141; TOPMed 0.00189.
gnomAD v4.1: 441 of 1,434,676 alleles (0.031%); highest among the groups gnomAD compares: African/African-American, 0.55%; 3 homozygotes.

Submissions (5):

Labcorp Genetics (formerly Invitae), Labcorp
Classification: Uncertain significance. Last evaluated: 2024-12-09. Review status: criteria provided, single submitter. Criteria: Invitae Variant Classification Sherloc (09022015). Collection method: clinical testing. Allele origin: germline.
Comment: This sequence change replaces alanine, which is neutral and non-polar, with threonine, which is neutral and polar, at codon 252 of the C5 protein (p.Ala252Thr). This variant is present in population databases (rs112959008, gnomAD 0.5%), and has an allele count higher than expected for a pathogenic variant. This missense change has been observed in individual(s) with complement component C5 deficiency (PMID: 22668955, 25534848). ClinVar contains an entry for this variant (Variation ID: 1009377). Invitae Evidence Modeling of protein sequence and biophysical properties (such as structural, functional, and spatial information, amino acid conservation, physicochemical variation, residue mobility, and thermodynamic stability) indicates that this missense variant is expected to disrupt C5 protein function with a positive predictive value of 80%. In summary, the available evidence is currently insufficient to determine the role of this variant in disease. Therefore, it has been classified as a Variant of Uncertain Significance.

Blueprint Genetics
Classification: Pathogenic for C5-related disorders. Last evaluated: 2024-11-13. Review status: criteria provided, single submitter. Criteria: ACMG Guidelines, 2015. Collection method: clinical testing. Allele origin: germline. Affected: yes. Observed: 5 variant alleles.

Baylor Genetics
Classification: Uncertain significance for Complement component 5 deficiency. Last evaluated: 2018-04-14. Review status: criteria provided, single submitter. Criteria: ACMG Guidelines, 2015. Collection method: clinical testing. Allele origin: maternal. Affected: yes.
Comment: This variant was determined to be of uncertain significance according to ACMG Guidelines, 2015 [PMID:25741868].

Breakthrough Genomics
Classification: Uncertain significance. Review status: criteria provided, single submitter. Criteria: ACMG Guidelines, 2015. Collection method: not provided. Allele origin: germline. Inheritance: Autosomal recessive inheritance. Affected: yes.

PreventionGenetics, part of Exact Sciences
Classification: Likely benign for C5-related condition. Last evaluated: 2019-02-19. Review status: no assertion criteria provided. Collection method: clinical testing. Allele origin: germline. Not counted in ClinVar's aggregate classification.
Comment: This variant is classified as likely benign based on ACMG/AMP sequence variant interpretation guidelines (Richards et al. 2015 PMID: 25741868, with internal and published modifications).

Literature cited by the submitters: PubMed 22668955 (cited by Labcorp Genetics (formerly Invitae), Labcorp); PubMed 25534848 (cited by Labcorp Genetics (formerly Invitae), Labcorp).